The following is an entry in ClinVar:

NM_001447.3(FAT2):c.2393C>T (p.Pro798Leu)

Gene: FAT2 (FAT atypical cadherin 2; minus strand). Cytogenetic location: 5q33.1.
Variant type: single nucleotide variant.
Coding change: c.2393C>T on transcript NM_001447.3 (MANE Select); coding-DNA position 2393, C replaced by T.
Protein change: p.Pro798Leu; replaces proline 798 with leucine.
Molecular consequence: missense variant.
Genome position (GRCh38, 1-based): chr5:151,566,539, G>A on the plus strand (C>T on the coding strand, the complement: FAT2 is on the minus strand). VCF-style: chr5-151566539-G-A. GRCh37 (hg19) VCF-style: chr5-150946100-G-A.
Other names: c.2393C>T (NM_001447.2); short protein forms P798L.
Identifiers: ClinVar variation 2741246 (VCV002741246.4), dbSNP rs779532369, ClinGen allele CA3522083.

ClinVar aggregate classification (germline): Uncertain significance. Review status: criteria provided, multiple submitters, no conflicts (2 of 4 stars). 2 submissions from 2 submitters: Uncertain significance (2). Last evaluated 2025-08-09.

Allele frequency attached by ClinVar (database versions not stated): gnomAD exomes below 0.00001; ExAC 0.00001.
gnomAD v4.1: 1 of 1,614,048 alleles (0.000062%); highest among the groups gnomAD compares: Non-Finnish European, 0.000085%; no homozygotes.

Submissions (2):

Ambry Genetics
Classification: Uncertain significance. Last evaluated: 2025-08-09. Review status: criteria provided, single submitter. Criteria: Ambry Variant Classification Scheme 2023. Collection method: clinical testing. Allele origin: germline.

Labcorp Genetics (formerly Invitae), Labcorp
Classification: Uncertain significance. Last evaluated: 2023-07-10. Review status: criteria provided, single submitter. Criteria: Invitae Variant Classification Sherloc (09022015). Collection method: clinical testing. Allele origin: germline.
Comment: This variant is present in population databases (rs779532369, gnomAD 0.0009%). This sequence change replaces proline, which is neutral and non-polar, with leucine, which is neutral and non-polar, at codon 798 of the FAT2 protein (p.Pro798Leu). This variant has not been reported in the literature in individuals affected with FAT2-related conditions. In summary, the available evidence is currently insufficient to determine the role of this variant in disease. Therefore, it has been classified as a Variant of Uncertain Significance. Advanced modeling of protein sequence and biophysical properties (such as structural, functional, and spatial information, amino acid conservation, physicochemical variation, residue mobility, and thermodynamic stability) performed at Invitae indicates that this missense variant is not expected to disrupt FAT2 protein function.